The following is an entry in ClinVar:

ClinVar aggregate classification (germline): Uncertain significance (1 of 4 stars; one submission).

Conditions:
Cardiovascular phenotype. Identifiers: MedGen CN230736.

Allele frequency attached by ClinVar (database versions not stated): gnomAD exomes below 0.00001.
gnomAD v4.1: 1 of 1,614,240 alleles (0.000062%); highest among the groups gnomAD compares: Non-Finnish European, 0.000085%; no homozygotes.

Submission:

Ambry Genetics
Classification: Uncertain significance for Cardiovascular phenotype. Last evaluated: 2023-12-07. Review status: criteria provided, single submitter. Criteria: Ambry Variant Classification Scheme 2023. Collection method: clinical testing. Allele origin: germline.
Comment: The p.Y22F variant (also known as c.65A>T), located in coding exon 1 of the KCNE2 gene, results from an A to T substitution at nucleotide position 65. The tyrosine at codon 22 is replaced by phenylalanine, an amino acid with highly similar properties. This amino acid position is conserved. In addition, the in silico prediction for this alteration is inconclusive. Since supporting evidence is limited at this time, the clinical significance of this alteration remains unclear.

NM_172201.2(KCNE2):c.65A>T (p.Tyr22Phe)

Genes: KCNE2 (potassium voltage-gated channel subfamily E regulatory subunit 2; plus strand), LOC105372791 (uncharacterized LOC105372791; minus strand). Cytogenetic location: 21q22.11.
Variant type: single nucleotide variant.
Coding change: c.65A>T on transcript NM_172201.2 (MANE Select); coding-DNA position 65, A replaced by T.
Protein change: p.Tyr22Phe; replaces tyrosine 22 with phenylalanine.
Molecular consequence: missense variant. On other transcripts: non-coding transcript variant (2).
Genome position (GRCh38, 1-based): chr21:34,370,543, A>T. VCF-style: chr21-34370543-A-T. GRCh37 (hg19) VCF-style: chr21-35742842-A-T.
Other names: short protein forms Y22F.
Identifiers: ClinVar variation 3229284 (VCV003229284.1), dbSNP rs1979532436, ClinGen allele CA410196202.
Genomic context (GRCh38, chr21:34,370,543, plus strand): 5'-CTACTTTATCCAATTTCACACAGACGCTGGAAGACGTCTTCCGAAGGATTTTTATTACTT[A>T]TATGGACAATTGGCGCCAGAACACAACAGCTGAGCAAGAGGCCCTCCAAGCCAAAGTTGA-3'
Protein context (NP_751951.1, residues 12-32): EDVFRRIFIT[Tyr22Phe]MDNWRQNTTA